The following is an entry in ClinVar:

ClinVar aggregate classification (germline): Benign (1 of 4 stars; one submission).

Allele frequency attached by ClinVar (database versions not stated): gnomAD 0.04757 and 0.05076; TOPMed 0.04864; 1000 Genomes Project 30x 0.07948; 1000 Genomes Project 0.08047.
gnomAD v4.1: 7,764 of 152,198 alleles (5.1%); highest among the groups gnomAD compares: East Asian, 16%; 257 homozygotes.

Submission:

GeneDx
Classification: Benign. Last evaluated: 2018-06-14. Review status: criteria provided, single submitter. Criteria: GeneDx Variant Classification (06012015). Collection method: clinical testing. Allele origin: germline. Affected: yes.
Comment: This variant is considered likely benign or benign based on one or more of the following criteria: it is a conservative change, it occurs at a poorly conserved position in the protein, it is predicted to be benign by multiple in silico algorithms, and/or has population frequency not consistent with disease.

NM_000138.5(FBN1):c.5546-303G>A

Gene: FBN1 (fibrillin 1; minus strand). Cytogenetic location: 15q21.1.
Variant type: single nucleotide variant.
Coding change: c.5546-303G>A on transcript NM_000138.5 (MANE Select); 303 bases into the intron before coding-DNA position 5546, G replaced by A.
Molecular consequence: intron variant.
Genome position (GRCh38, 1-based): chr15:48,449,196, C>T on the plus strand (G>A on the coding strand, the complement: FBN1 is on the minus strand). VCF-style: chr15-48449196-C-T. GRCh37 (hg19) VCF-style: chr15-48741393-C-T.
Identifiers: ClinVar variation 680573 (VCV000680573.1), dbSNP rs16960962, ClinGen allele CA269535267.
Genomic context (GRCh38, chr15:48,449,196, plus strand): 5'-TGAGAAAACTTAGAAGTAAAATGGGGGGATTCAAGCCGGGAGGATTTTCTGTTTGATTAT[C>T]GGCCTACGCAGCACCACAGACTGTGGAATTAATTGAAGTATTTTGTCTAGTTAAGATTTG-3'